The following is an entry in ClinVar:

NM_006379.5(SEMA3C):c.1322A>T (p.Asp441Val)

Gene: SEMA3C (semaphorin 3C; minus strand). Cytogenetic location: 7q21.11.
Variant type: single nucleotide variant.
Coding change: c.1322A>T on transcript NM_006379.5 (MANE Select); coding-DNA position 1322, A replaced by T.
Protein change: p.Asp441Val; replaces aspartic acid 441 with valine.
Molecular consequence: missense variant.
Genome position (GRCh38, 1-based): chr7:80,789,338, T>A on the plus strand (A>T on the coding strand, the complement: SEMA3C is on the minus strand). VCF-style: chr7-80789338-T-A. GRCh37 (hg19) VCF-style: chr7-80418654-T-A.
Other names: c.1376A>T (NM_001350120.1); c.1376A>T, p.Asp459Val (NM_001350120.2); c.1148A>T, p.Asp383Val (NM_001350121.2); short protein forms D383V, D459V, D441V.
Identifiers: ClinVar variation 3952073 (VCV003952073.2).

ClinVar aggregate classification (germline): Uncertain significance. Review status: criteria provided, multiple submitters, no conflicts (2 of 4 stars). 2 submissions from 2 submitters: Uncertain significance (2). Last evaluated 2025-04-28.

Conditions:
SEMA3C-related disorder. Also called: SEMA3C-related condition.

Submissions (2):

PreventionGenetics, part of Exact Sciences
Classification: Uncertain significance for SEMA3C-related condition. Last evaluated: 2025-04-28. Review status: criteria provided, single submitter. Criteria: ACMG Guidelines, 2015. Collection method: clinical testing. Allele origin: germline.
Comment: The SEMA3C c.1376A>T variant is predicted to result in the amino acid substitution p.Asp459Val. To our knowledge, this variant has not been reported in the literature or in a large population database (gnomAD), indicating this variant is rare. At this time, the clinical significance of this variant is uncertain due to the absence of conclusive functional and genetic evidence.

Ambry Genetics
Classification: Uncertain significance. Last evaluated: 2025-04-01. Review status: criteria provided, single submitter. Criteria: Ambry Variant Classification Scheme 2023. Collection method: clinical testing. Allele origin: germline.